The following is an entry in ClinVar:

ClinVar aggregate classification (germline): Uncertain significance (0 of 4 stars; one submission).

Conditions:
GPBAR1-related disorder. Also called: GPBAR1-related condition.

gnomAD v4.1: 4 of 1,606,644 alleles (0.00025%); highest among the groups gnomAD compares: East Asian, 0.0022%; no homozygotes.

Submission:

PreventionGenetics, part of Exact Sciences
Classification: Uncertain significance for GPBAR1-related condition. Last evaluated: 2024-09-16. Review status: no assertion criteria provided. Collection method: clinical testing. Allele origin: germline.
Comment: The GPBAR1 c.754G>A variant is predicted to result in the amino acid substitution p.Glu252Lys. To our knowledge, this variant has not been reported in the literature or in a large population database, indicating this variant is rare. At this time, the clinical significance of this variant is uncertain due to the absence of conclusive functional and genetic evidence.

NM_170699.3(GPBAR1):c.754G>A (p.Glu252Lys)

Gene: GPBAR1 (G protein-coupled bile acid receptor 1; plus strand). Cytogenetic location: 2q35.
Variant type: single nucleotide variant.
Coding change: c.754G>A on transcript NM_170699.3 (MANE Select); coding-DNA position 754, G replaced by A.
Protein change: p.Glu252Lys; replaces glutamic acid 252 with lysine.
Molecular consequence: missense variant.
Genome position (GRCh38, 1-based): chr2:218,263,478, G>A. VCF-style: chr2-218263478-G-A. GRCh37 (hg19) VCF-style: chr2-219128201-G-A.
Other names: c.754G>A, p.Glu252Lys (NM_001077191.2, NM_001077194.2, NM_001321950.2); short protein forms E252K.
Identifiers: ClinVar variation 3356876 (VCV003356876.1).